The following is an entry in ClinVar:

ClinVar aggregate classification (germline): Uncertain significance (1 of 4 stars; one submission).

Conditions:
Inborn genetic diseases. Identifiers: MedGen C0950123, MeSH D030342.

Submission:

Ambry Genetics
Classification: Uncertain significance for Inborn genetic diseases. Last evaluated: 2025-10-05. Review status: criteria provided, single submitter. Criteria: Ambry Variant Classification Scheme 2023. Collection method: clinical testing. Allele origin: germline.
Comment: The p.Q1471K variant (also known as c.4411C>A), located in coding exon 1 of the SAMD9L gene, results from a C to A substitution at nucleotide position 4411. The glutamine at codon 1471 is replaced by lysine, an amino acid with similar properties. This amino acid position is conserved. In addition, this alteration is predicted to be tolerated by in silico analysis. Based on the available evidence, the clinical significance of this variant remains unclear.

NM_152703.5(SAMD9L):c.4411C>A (p.Gln1471Lys)

Gene: SAMD9L (sterile alpha motif domain containing 9 like; minus strand). Cytogenetic location: 7q21.2.
Variant type: single nucleotide variant.
Coding change: c.4411C>A on transcript NM_152703.5 (MANE Select); coding-DNA position 4411, C replaced by A.
Protein change: p.Gln1471Lys; replaces glutamine 1471 with lysine.
Molecular consequence: missense variant.
Genome position (GRCh38, 1-based): chr7:93,131,561, G>T on the plus strand (C>A on the coding strand, the complement: SAMD9L is on the minus strand). VCF-style: chr7-93131561-G-T. GRCh37 (hg19) VCF-style: chr7-92760874-G-T.
Other names: c.4411C>A, p.Gln1471Lys (NM_001303496.3, NM_001303497.3, NM_001303498.3 and 5 more transcripts); short protein forms Q1471K.
Identifiers: ClinVar variation 4630038 (VCV004630038.1).